The following is an entry in ClinVar:

ClinVar aggregate classification (germline): Likely benign (1 of 4 stars; one submission).

Allele frequency attached by ClinVar (database versions not stated): gnomAD 0.00008; 1000 Genomes Project 0.00080; TOPMed 0.00008; gnomAD exomes 0.00019; ExAC 0.00058; 1000 Genomes Project 30x 0.00078.

Submission:

CeGaT Center for Human Genetics Tuebingen
Classification: Likely benign. Last evaluated: 2023-12-01. Review status: criteria provided, single submitter. Criteria: CeGaT Center For Human Genetics Tuebingen Variant Classification Criteria Version 2. Collection method: clinical testing. Allele origin: germline. Affected: yes. Observed: 1 variant allele.
Comment: COQ5: BP4, BS1

NM_032314.4(COQ5):c.314T>C (p.Leu105Pro)

Gene: COQ5 (coenzyme Q5, methyltransferase; minus strand). Cytogenetic location: 12q24.31.
Variant type: single nucleotide variant.
Coding change: c.314T>C on transcript NM_032314.4 (MANE Select); coding-DNA position 314, T replaced by C.
Protein change: p.Leu105Pro; replaces leucine 105 with proline.
Molecular consequence: missense variant.
Genome position (GRCh38, 1-based): chr12:120,522,252, A>G on the plus strand (T>C on the coding strand, the complement: COQ5 is on the minus strand). VCF-style: chr12-120522252-A-G. GRCh37 (hg19) VCF-style: chr12-120960055-A-G.
Other names: short protein forms L105P.
Identifiers: ClinVar variation 2672526 (VCV002672526.23), dbSNP rs201221898, ClinGen allele CA6828862.